The following is an entry in ClinVar:

ClinVar aggregate classification (germline): Likely benign (1 of 4 stars; one submission).

Allele frequency attached by ClinVar (database versions not stated): gnomAD exomes below 0.00001.

Submission:

CeGaT Center for Human Genetics Tuebingen
Classification: Likely benign. Last evaluated: 2026-08-01. Review status: criteria provided, single submitter. Criteria: CeGaT Center For Human Genetics Tuebingen Variant Classification Criteria Version 2. Collection method: clinical testing. Allele origin: germline. Affected: yes. Observed: 7 variant alleles.
Comment: PPFIA1: BP4, BP7

NM_003626.5(PPFIA1):c.2421T>C (p.Ile807=)

Gene: PPFIA1 (PPFI scaffold protein A1; plus strand). Cytogenetic location: 11q13.3.
Variant type: single nucleotide variant.
Coding change: c.2421T>C on transcript NM_003626.5 (MANE Select); coding-DNA position 2421, T replaced by C.
Protein change: p.Ile807=; no amino-acid change (isoleucine 807 retained).
Molecular consequence: synonymous variant. On other transcripts: non-coding transcript variant (1).
Genome position (GRCh38, 1-based): chr11:70,355,744, T>C. VCF-style: chr11-70355744-T-C. GRCh37 (hg19) VCF-style: chr11-70201850-T-C.
Other names: c.2421T>C, p.Ile807= (NM_177423.3); c.2526T>C, p.Ile842= (NM_001378006.1).
Identifiers: ClinVar variation 2642065 (VCV002642065.24), dbSNP rs1242062438, ClinGen allele CA475244217.